The following is an entry in ClinVar:

ClinVar aggregate classification (germline): Uncertain significance (1 of 4 stars; one submission).

Allele frequency attached by ClinVar (database versions not stated): gnomAD exomes below 0.00001.
gnomAD v4.1: 3 of 1,613,184 alleles (0.00019%); highest among the groups gnomAD compares: Non-Finnish European, 0.00025%; no homozygotes.

Submission:

Labcorp Genetics (formerly Invitae), Labcorp
Classification: Uncertain significance. Last evaluated: 2023-10-03. Review status: criteria provided, single submitter. Criteria: Invitae Variant Classification Sherloc (09022015). Collection method: clinical testing. Allele origin: germline.
Comment: This sequence change replaces glutamic acid, which is acidic and polar, with glycine, which is neutral and non-polar, at codon 1956 of the SCN3A protein (p.Glu1956Gly). This variant is not present in population databases (gnomAD no frequency). This variant has not been reported in the literature in individuals affected with SCN3A-related conditions. ClinVar contains an entry for this variant (Variation ID: 2179102). Advanced modeling of protein sequence and biophysical properties (such as structural, functional, and spatial information, amino acid conservation, physicochemical variation, residue mobility, and thermodynamic stability) performed at Invitae indicates that this missense variant is not expected to disrupt SCN3A protein function. In summary, the available evidence is currently insufficient to determine the role of this variant in disease. Therefore, it has been classified as a Variant of Uncertain Significance.

NM_006922.4(SCN3A):c.5867A>G (p.Glu1956Gly)

Gene: SCN3A (sodium voltage-gated channel alpha subunit 3; minus strand). Cytogenetic location: 2q24.3.
Variant type: single nucleotide variant.
Coding change: c.5867A>G on transcript NM_006922.4 (MANE Select); coding-DNA position 5867, A replaced by G.
Protein change: p.Glu1956Gly; replaces glutamic acid 1956 with glycine.
Molecular consequence: missense variant.
Genome position (GRCh38, 1-based): chr2:165,090,286, T>C on the plus strand (A>G on the coding strand, the complement: SCN3A is on the minus strand). VCF-style: chr2-165090286-T-C. GRCh37 (hg19) VCF-style: chr2-165946796-T-C.
Other names: c.5720A>G, p.Glu1907Gly (NM_001081676.2, NM_001081677.2); short protein forms E1907G, E1956G.
Identifiers: ClinVar variation 2179102 (VCV002179102.4), dbSNP rs2468035957, ClinGen allele CA349009443.
Genomic context (GRCh38, chr2:165,090,286, plus strand): 5'-GGTTTTGTTACACTATCATAGGAAGGAGGAGAGGTGGTAGAGGAACTCCCATCTGTTTTT[T>C]CTGGAGTGGAGTTCCCATTTAGTTTGTCAATAATCATGTCTTGTTTTATAGGTAAGTCAA-3'
Protein context (NP_008853.3, residues 1946-1966): IDKLNGNSTP[Glu1956Gly]KTDGSSSTTS